The following is an entry in ClinVar:

NM_020529.3(NFKBIA):c.110T>A (p.Met37Lys)

Gene: NFKBIA (NFKB inhibitor alpha; minus strand). Cytogenetic location: 14q13.2.
Variant type: single nucleotide variant.
Coding change: c.110T>A on transcript NM_020529.3 (MANE Select); coding-DNA position 110, T replaced by A.
Protein change: p.Met37Lys; replaces methionine 37 with lysine.
Molecular consequence: missense variant.
Genome position (GRCh38, 1-based): chr14:35,404,535, A>T on the plus strand (T>A on the coding strand, the complement: NFKBIA is on the minus strand). VCF-style: chr14-35404535-A-T. GRCh37 (hg19) VCF-style: chr14-35873741-A-T.
Other names: short protein forms M37K.
Identifiers: ClinVar variation 590307 (VCV000590307.7), dbSNP rs1566591073, ClinGen allele CA389455292.

ClinVar aggregate classification (germline): Uncertain significance. Review status: criteria provided, single submitter (1 of 4 stars). 2 submissions from 2 submitters: Uncertain significance (1). 1 of the submissions does not count toward it. Last evaluated 2022-09-28.

Conditions:
Ectodermal dysplasia and immunodeficiency 2. Identifiers: Orphanet 238468, Orphanet 98813, MedGen C2677481, MONDO:0012806, OMIM 612132.

Submissions (2):

Labcorp Genetics (formerly Invitae), Labcorp
Classification: Uncertain significance for Ectodermal dysplasia and immunodeficiency 2. Last evaluated: 2022-09-28. Review status: criteria provided, single submitter. Criteria: Invitae Variant Classification Sherloc (09022015). Collection method: clinical testing. Allele origin: germline.
Comment: Algorithms developed to predict the effect of missense changes on protein structure and function (SIFT, PolyPhen-2, Align-GVGD) all suggest that this variant is likely to be tolerated. Experimental studies are conflicting or provide insufficient evidence to determine the effect of this variant on NFKBIA function (PMID: 28629746). This sequence change replaces methionine, which is neutral and non-polar, with lysine, which is basic and polar, at codon 37 of the NFKBIA protein (p.Met37Lys). This variant is not present in population databases (gnomAD no frequency). This missense change has been observed in individual(s) with autosomal dominant ectodermal dysplasia (PMID: 23708964). ClinVar contains an entry for this variant (Variation ID: 590307). In summary, the available evidence is currently insufficient to determine the role of this variant in disease. Therefore, it has been classified as a Variant of Uncertain Significance.

OMIM
Classification: Pathogenic for ECTODERMAL DYSPLASIA AND IMMUNODEFICIENCY 2. Last evaluated: 2018-11-15. Review status: no assertion criteria provided. Collection method: literature only. Allele origin: germline. Not counted in ClinVar's aggregate classification.

Literature cited by the submitters: PubMed 28629746 (cited by Labcorp Genetics (formerly Invitae), Labcorp); PubMed 23708964 (cited by Labcorp Genetics (formerly Invitae), Labcorp and OMIM).